The following is an entry in ClinVar:

ClinVar aggregate classification (germline): Likely pathogenic (1 of 4 stars; one submission).

Conditions:
Bethlem myopathy 1A. Also called: Bethlem myopathy 1; Bethlem Muscular Dystrophy; MYOPATHY, BENIGN CONGENITAL, WITH CONTRACTURES. Identifiers: Orphanet 610, MedGen CN029274, MONDO:0024530, OMIM 158810.

Submission:

Labcorp Genetics (formerly Invitae), Labcorp
Classification: Likely pathogenic for Bethlem myopathy 1A. Last evaluated: 2021-09-03. Review status: criteria provided, single submitter. Criteria: Invitae Variant Classification Sherloc (09022015). Collection method: clinical testing. Allele origin: germline.
Comment: In summary, the currently available evidence indicates that the variant is pathogenic, but additional data are needed to prove that conclusively. Therefore, this variant has been classified as Likely Pathogenic. This variant results in the deletion of part of exon 18 (c.6283-326_6296del) of the COL6A3 gene. Variants that disrupt the donor or acceptor splice site typically lead to a loss of protein function (PMID: 16199547), and loss-of-function variants in COL6A3 are known to be disease-causing for autosomal recessive COL6A3 conditions (PMID: 21280092, 20976770). However, certain variants affecting donor or acceptor splice sites in the triple helical domain of COL6A3 are expected to result in in-frame exon skipping and have been reported to cause autosomal dominant COL6A3-related conditions (PMID: 18366090). This variant is not present in population databases (ExAC no frequency). This variant has not been reported in the literature in individuals affected with COL6A3-related conditions. Experimental studies and prediction algorithms are not available or were not evaluated, and the effect of this variant on mRNA splicing is currently unknown.

Literature cited by the submitters: PubMed 16199547; PubMed 21280092; PubMed 20976770; PubMed 18366090.

NM_004369.4(COL6A3):c.6283-326_6296del

Genes: COL6A3 (collagen type VI alpha 3 chain; minus strand), LOC122889011 (Sharpr-MPRA regulatory region 1020; plus strand). Cytogenetic location: 2q37.3.
Variant type: Deletion.
Coding change: c.6283-326_6296del on transcript NM_004369.4 (MANE Select); 326 bases into the intron before coding-DNA position 6283 through coding-DNA position 6296, 340 bases deleted.
Molecular consequence: splice acceptor variant.
Genome position (GRCh38, 1-based): chr2:237,359,375-237,359,714, 340 bases deleted. GRCh37 (hg19): chr2:238,268,020-238,268,359.
Other names: c.4462-326_4475del (NM_057166.5); c.5665-326_5678del (NM_057167.4).
Identifiers: ClinVar variation 1478667 (VCV001478667.6), dbSNP rs2106341434, ClinGen allele CA2573135586.